The following is an entry in ClinVar:

ClinVar aggregate classification (germline): Pathogenic. Review status: criteria provided, single submitter (1 of 4 stars). 2 submissions from 2 submitters: Pathogenic (1). 1 of the submissions does not count toward it. Last evaluated 2024-08-12.

Conditions:
Biotinidase deficiency. Also called: BTD deficiency; Late-onset biotin-responsive multiple carboxylase deficiency; Biotin deficiency. Identifiers: Orphanet 79241, MedGen C0220754, MONDO:0009665, OMIM 253260.

Submissions (2):

Labcorp Genetics (formerly Invitae), Labcorp
Classification: Pathogenic for Biotinidase deficiency. Last evaluated: 2024-08-12. Review status: criteria provided, single submitter. Criteria: Invitae Variant Classification Sherloc (09022015). Collection method: clinical testing. Allele origin: germline.
Comment: This sequence change replaces glycine, which is neutral and non-polar, with arginine, which is basic and polar, at codon 204 of the BTD protein (p.Gly204Arg). This variant is not present in population databases (gnomAD no frequency). This missense change has been observed in individual(s) with clinical features of BTD-related conditions (PMID: 36198807; Invitae). In at least one individual the data is consistent with being in trans (on the opposite chromosome) from a pathogenic variant. This variant is also known as p.Gly206Arg. ClinVar contains an entry for this variant (Variation ID: 1704286). Advanced modeling of protein sequence and biophysical properties (such as structural, functional, and spatial information, amino acid conservation, physicochemical variation, residue mobility, and thermodynamic stability) performed at Invitae indicates that this missense variant is expected to disrupt BTD protein function with a positive predictive value of 95%. For these reasons, this variant has been classified as Pathogenic.

Center of Excellence for Medical Genomics, Chulalongkorn University
Classification: Likely pathogenic for Biotinidase deficiency. Last evaluated: 2002-09-08. Review status: no assertion criteria provided. Collection method: research. Allele origin: biparental. Affected: yes. Not counted in ClinVar's aggregate classification.

Literature cited by the submitters: PubMed 36198807 (cited by Labcorp Genetics (formerly Invitae), Labcorp).

NM_001370658.1(BTD):c.550G>A (p.Gly184Arg)

Gene: BTD (biotinidase; plus strand). Cytogenetic location: 3p25.1.
Variant type: single nucleotide variant.
Coding change: c.550G>A on transcript NM_001370658.1 (MANE Select); coding-DNA position 550, G replaced by A.
Protein change: p.Gly184Arg; replaces glycine 184 with arginine.
Molecular consequence: missense variant. On other transcripts: intron variant (6).
Genome position (GRCh38, 1-based): chr3:15,644,466, G>A. VCF-style: chr3-15644466-G-A. GRCh37 (hg19) VCF-style: chr3-15685973-G-A.
Other names: c.550G>A, p.Gly184Arg (NM_001281723.4, NM_001281724.3, NM_001281725.3 and 18 more transcripts); c.399+2409G>A (NM_001370753.1, NM_001407400.1, NM_001407380.1 and 3 more transcripts); short protein forms G184R.
Identifiers: ClinVar variation 1704286 (VCV001704286.4), dbSNP rs2471510851, ClinGen allele CA351606608.